The following is an entry in ClinVar:

ClinVar aggregate classification (germline): Uncertain significance (1 of 4 stars; one submission).

Conditions:
Classic or attenuated familial adenomatous polyposis. Identifiers: MedGen CN372698, MONDO:0021057.

Submission:

All of Us Research Program, National Institutes of Health
Classification: Uncertain significance for Classic or attenuated familial adenomatous polyposis. Last evaluated: 2023-06-08. Review status: criteria provided, single submitter. Criteria: ACMG Guidelines, 2015. Collection method: clinical testing. Allele origin: germline. Inheritance: Autosomal dominant inheritance. Observed: 1 variant allele, 1 heterozygote.
Comment: This missense variant replaces lysine with asparagine at codon 249 of the APC protein. Computational prediction suggests that this variant may not impact protein structure and function (internally defined REVEL score threshold <= 0.5, PMID: 27666373). To our knowledge, functional studies have not been reported for this variant. This variant has not been reported in individuals affected with APC-related disorders in the literature. This variant has not been identified in the general population by the Genome Aggregation Database (gnomAD). The available evidence is insufficient to determine the role of this variant in disease conclusively. Therefore, this variant is classified as a Variant of Uncertain Significance.

This study involves interpretation of variants in research participants for the purpose of population health screening. Participant phenotype was not available at the time of variant classification. Additional details can be found in publication PMID: 35346344, PMCID: PMC8962531

NM_000038.6(APC):c.747G>C (p.Lys249Asn)

Gene: APC (APC regulator of WNT signaling pathway; plus strand). Cytogenetic location: 5q22.2.
Variant type: single nucleotide variant.
Coding change: c.747G>C on transcript NM_000038.6 (MANE Select); coding-DNA position 747, G replaced by C.
Protein change: p.Lys249Asn; replaces lysine 249 with asparagine.
Molecular consequence: missense variant. On other transcripts: 5 prime UTR variant (4), non-coding transcript variant (2).
Genome position (GRCh38, 1-based): chr5:112,801,296, G>C. VCF-style: chr5-112801296-G-C. GRCh37 (hg19) VCF-style: chr5-112136993-G-C.
Other names: c.747G>C, p.Lys249Asn (NM_001127510.3, NM_001354895.2, NM_001354896.2 and 12 more transcripts); c.693G>C, p.Lys231Asn (NM_001127511.3); c.777G>C, p.Lys259Asn (NM_001354897.2, NM_001354902.2, NM_001407446.1); c.672G>C, p.Lys224Asn (NM_001354898.2, NM_001354904.2, NM_001407451.1); c.663G>C, p.Lys221Asn (NM_001354899.2, NM_001407452.1, NM_001407467.1 and 1 more transcripts); c.570G>C, p.Lys190Asn (NM_001354900.2, NM_001354901.2, NM_001354905.2 and 1 more transcripts); c.-289G>C (NM_001354906.2, NM_001407470.1, NM_001407471.1 and 1 more transcripts); short protein forms K190N, K221N, K224N, K231N, K249N, K259N.
Identifiers: ClinVar variation 3071597 (VCV003071597.1), dbSNP rs878853470, ClinGen allele CA16022965.